The following is an entry in ClinVar:

NM_018139.3(DNAAF2):c.423C>T (p.Val141=)

Gene: DNAAF2 (dynein axonemal assembly factor 2; minus strand). Cytogenetic location: 14q21.3.
Variant type: single nucleotide variant.
Coding change: c.423C>T on transcript NM_018139.3 (MANE Select); coding-DNA position 423, C replaced by T.
Protein change: p.Val141=; no amino-acid change (valine 141 retained).
Molecular consequence: synonymous variant.
Genome position (GRCh38, 1-based): chr14:49,634,727, G>A on the plus strand (C>T on the coding strand, the complement: DNAAF2 is on the minus strand). VCF-style: chr14-49634727-G-A. GRCh37 (hg19) VCF-style: chr14-50101445-G-A.
Other names: c.423C>T, p.Val141= (NM_001083908.2).
Identifiers: ClinVar variation 227314 (VCV000227314.40), dbSNP rs373251065, ClinGen allele CA7173110.

ClinVar aggregate classification (germline): Conflicting classifications of pathogenicity. Review status: criteria provided, conflicting classifications (1 of 4 stars). 7 submissions from 7 submitters: Uncertain significance (1); Likely benign (6). Last evaluated 2026-01-18.

Conditions:
Primary ciliary dyskinesia. Also called: Ciliary dyskinesia. Identifiers: Orphanet 244, MedGen C0008780, MONDO:0016575, HP:0012265.
Primary ciliary dyskinesia 10. Also called: CILIARY DYSKINESIA, PRIMARY, 10, WITH OR WITHOUT SITUS INVERSUS. Identifiers: Orphanet 244, MedGen C2675867, MONDO:0012918, OMIM 612518.

Allele frequency attached by ClinVar (database versions not stated): 1000 Genomes Project 0.00060; gnomAD 0.00060 and 0.00061; 1000 Genomes Project 30x 0.00062; TOPMed 0.00065; gnomAD exomes 0.00078 and 0.00111; ExAC 0.00085; ESP Exome Variant Server 0.00115.

Submissions (7):

Labcorp Genetics (formerly Invitae), Labcorp
Classification: Likely benign for Primary ciliary dyskinesia. Last evaluated: 2026-01-18. Review status: criteria provided, single submitter. Criteria: Invitae Variant Classification Sherloc (09022015). Collection method: clinical testing. Allele origin: germline.

CeGaT Center for Human Genetics Tuebingen
Classification: Likely benign. Last evaluated: 2025-07-01. Review status: criteria provided, single submitter. Criteria: CeGaT Center For Human Genetics Tuebingen Variant Classification Criteria Version 2. Collection method: clinical testing. Allele origin: germline. Affected: yes. Observed: 1 variant allele.
Comment: DNAAF2: BP4, BS1

Blueprint Genetics
Classification: Likely benign. Last evaluated: 2024-11-07. Review status: criteria provided, single submitter. Criteria: ACMG Guidelines, 2015. Collection method: clinical testing. Allele origin: germline.

ARUP Laboratories, Molecular Genetics and Genomics, ARUP Laboratories
Classification: Likely benign for Primary ciliary dyskinesia 10. Last evaluated: 2024-01-03. Review status: criteria provided, single submitter. Criteria: ARUP Molecular Germline Variant Investigation Process 2024. Collection method: clinical testing. Allele origin: germline.

Illumina Laboratory Services, Illumina
Classification: Uncertain significance for Primary ciliary dyskinesia 10. Last evaluated: 2018-01-13. Review status: criteria provided, single submitter. Criteria: ICSL Variant Classification Criteria 13 December 2019. Collection method: clinical testing. Allele origin: germline.

Ambry Genetics
Classification: Likely benign for Primary ciliary dyskinesia. Last evaluated: 2015-08-26. Review status: criteria provided, single submitter. Criteria: Ambry Variant Classification Scheme 2023. Collection method: clinical testing. Allele origin: germline.

Laboratory for Molecular Medicine, Mass General Brigham Personalized Medicine
Classification: Likely benign. Last evaluated: 2015-05-11. Review status: criteria provided, single submitter. Criteria: LMM Criteria. Collection method: clinical testing. Allele origin: germline. Observed: 2 variant alleles.
Comment: p.Val141Val in exon 1 of DNAAF2: This variant is not expected to have clinical s ignificance because it does not alter an amino acid residue and is not located w ithin the splice consensus sequence. It has been identified in 0.1% (72/51640) o f European chromosomes by the Exome Aggregation Consortium (ExAC; dbSNP rs373251065).